The following is an entry in ClinVar:

ClinVar aggregate classification (germline): Uncertain significance (1 of 4 stars; one submission).

Submission:

CeGaT Center for Human Genetics Tuebingen
Classification: Uncertain significance. Last evaluated: 2025-06-01. Review status: criteria provided, single submitter. Criteria: CeGaT Center For Human Genetics Tuebingen Variant Classification Criteria Version 2. Collection method: clinical testing. Allele origin: germline. Affected: yes. Observed: 2 variant alleles.
Comment: RORA: PM2, PP3

NM_134261.3(RORA):c.70G>A (p.Ala24Thr)

Gene: RORA (RAR related orphan receptor A; minus strand). Cytogenetic location: 15q22.2.
Variant type: single nucleotide variant.
Coding change: c.70G>A on transcript NM_134261.3 (MANE Select); coding-DNA position 70, G replaced by A.
Protein change: p.Ala24Thr; replaces alanine 24 with threonine.
Molecular consequence: missense variant.
Genome position (GRCh38, 1-based): chr15:61,229,149, C>T on the plus strand (G>A on the coding strand, the complement: RORA is on the minus strand). VCF-style: chr15-61229149-C-T. GRCh37 (hg19) VCF-style: chr15-61521348-C-T.
Other names: short protein forms A24T.
Identifiers: ClinVar variation 3905923 (VCV003905923.10).